The following is an entry in ClinVar:

ClinVar aggregate classification (germline): Uncertain significance. Review status: criteria provided, multiple submitters, no conflicts (2 of 4 stars). 3 submissions from 3 submitters: Uncertain significance (3). Last evaluated 2024-04-10.

Conditions:
Inborn genetic diseases. Identifiers: MedGen C0950123, MeSH D030342.
Perlman syndrome (PRLMNS). Identifiers: Orphanet 2849, MedGen C0796113, MONDO:0009965, OMIM 267000.

Allele frequency attached by ClinVar (database versions not stated): gnomAD exomes below 0.00001 and 0.00001.
gnomAD v4.1: 3 of 1,614,176 alleles (0.00019%); highest among the groups gnomAD compares: Admixed American, 0.0033%; no homozygotes.

Submissions (3):

Labcorp Genetics (formerly Invitae), Labcorp
Classification: Uncertain significance for Perlman syndrome. Last evaluated: 2024-04-10. Review status: criteria provided, single submitter. Criteria: Invitae Variant Classification Sherloc (09022015). Collection method: clinical testing. Allele origin: germline.
Comment: This sequence change replaces proline, which is neutral and non-polar, with serine, which is neutral and polar, at codon 514 of the DIS3L2 protein (p.Pro514Ser). This variant is present in population databases (no rsID available, gnomAD 0.006%). This variant has not been reported in the literature in individuals affected with DIS3L2-related conditions. ClinVar contains an entry for this variant (Variation ID: 463062). An algorithm developed to predict the effect of missense changes on protein structure and function (PolyPhen-2) suggests that this variant is likely to be disruptive. In summary, the available evidence is currently insufficient to determine the role of this variant in disease. Therefore, it has been classified as a Variant of Uncertain Significance.

Fulgent Genetics
Classification: Uncertain significance for Perlman syndrome. Last evaluated: 2024-02-24. Review status: criteria provided, single submitter. Criteria: ACMG Guidelines, 2015. Collection method: clinical testing. Allele origin: germline.

Ambry Genetics
Classification: Uncertain significance for Inborn genetic diseases. Last evaluated: 2023-02-14. Review status: criteria provided, single submitter. Criteria: Ambry Variant Classification Scheme 2023. Collection method: clinical testing. Allele origin: germline.

NM_152383.5(DIS3L2):c.1540C>T (p.Pro514Ser)

Gene: DIS3L2 (DIS3 like 3'-5' exoribonuclease 2; plus strand). Cytogenetic location: 2q37.1.
Variant type: single nucleotide variant.
Coding change: c.1540C>T on transcript NM_152383.5 (MANE Select); coding-DNA position 1540, C replaced by T.
Protein change: p.Pro514Ser; replaces proline 514 with serine.
Molecular consequence: missense variant. On other transcripts: non-coding transcript variant (2).
Genome position (GRCh38, 1-based): chr2:232,263,321, C>T. VCF-style: chr2-232263321-C-T. GRCh37 (hg19) VCF-style: chr2-233128031-C-T.
Other names: c.1540C>T, p.Pro514Ser (NM_001257281.2); short protein forms P514S.
Identifiers: ClinVar variation 463062 (VCV000463062.11), dbSNP rs1463177673, ClinGen allele CA350975489.